The following is an entry in ClinVar:

NM_000492.4(CFTR):c.196A>G (p.Asn66Asp)

Gene: CFTR (CF transmembrane conductance regulator; plus strand). Cytogenetic location: 7q31.2.
Variant type: single nucleotide variant.
Coding change: c.196A>G on transcript NM_000492.4 (MANE Select); coding-DNA position 196, A replaced by G.
Protein change: p.Asn66Asp; replaces asparagine 66 with aspartic acid.
Molecular consequence: missense variant.
Genome position (GRCh38, 1-based): chr7:117,509,065, A>G. VCF-style: chr7-117509065-A-G. GRCh37 (hg19) VCF-style: chr7-117149119-A-G.
Other names: short protein forms N66D.
Identifiers: ClinVar variation 411117 (VCV000411117.8), dbSNP rs1060503163, ClinGen allele CA16612011.
Genomic context (GRCh38, chr7:117,509,065, plus strand): 5'-TATTGGTCCCACTTTTTATTCTTTTGCAGAGAATGGGATAGAGAGCTGGCTTCAAAGAAA[A>G]ATCCTAAACTCATTAATGCCCTTCGGCGATGTTTTTTCTGGAGATTTATGTTCTATGGAA-3'
Protein context (NP_000483.3, residues 56-76): EWDRELASKK[Asn66Asp]PKLINALRRC

ClinVar aggregate classification (germline): Uncertain significance (1 of 4 stars; one submission).

Conditions:
Cystic fibrosis (CF). Also called: MUCOVISCIDOSIS. Identifiers: Orphanet 586, MedGen C0010674, MONDO:0009061, OMIM 219700. Disease mechanism: loss of function.

Submission:

Labcorp Genetics (formerly Invitae), Labcorp
Classification: Uncertain significance for Cystic fibrosis. Last evaluated: 2016-06-24. Review status: criteria provided, single submitter. Criteria: Invitae Variant Classification Sherloc (09022015). Collection method: clinical testing. Allele origin: germline.
Comment: Algorithms developed to predict the effect of missense changes on protein structure and function (SIFT, PolyPhen-2, Align-GVGD) all suggest that this variant is likely to be tolerated, but these predictions have not been confirmed by published functional studies. This variant is not present in population databases (ExAC no frequency) and has not been reported in the literature in individuals with a CFTR-related disease. This sequence change replaces asparagine with aspartic acid at codon 66 of the CFTR protein (p.Asn66Asp). The asparagine residue is moderately conserved and there is a small physicochemical difference between asparagine and aspartic acid. In summary, this variant is a novel missense change that is not predicted to affect protein function. There is no indication that it causes disease, but the available evidence is currently insufficient to prove that conclusively. Therefore, it has been classified as a Variant of Uncertain Significance.